The following is an entry in ClinVar:

ClinVar aggregate classification (germline): Likely pathogenic (1 of 4 stars; one submission).

Conditions:
Glycogen storage disease due to acid maltase deficiency, late-onset (LOPD). Also called: POMPE DISEASE, LATE-ONSET; GLYCOGEN STORAGE DISEASE II, LATE-ONSET; ACID ALPHA-GLUCOSIDASE DEFICIENCY, LATE-ONSET; GAA DEFICIENCY, LATE-ONSET; ACID MALTASE DEFICIENCY, LATE-ONSET; AMD, LATE-ONSET. Identifiers: Orphanet 420429, MedGen C0342753, MONDO:0018485, OMIM 621314.

gnomAD v4.1: 2 of 1,612,278 alleles (0.00012%); highest among the groups gnomAD compares: Non-Finnish European, 0.00017%; no homozygotes.

Submission:

Department of Pathophysiology and Transplantation,  Dino Ferrari Center, University of Milan
Classification: Likely pathogenic for Glycogen storage disease due to acid maltase deficiency, late-onset. Last evaluated: 2026-10-10. Review status: criteria provided, single submitter. Criteria: ACMG Guidelines, 2015. Collection method: research. Allele origin: germline. Observed: 1 variant allele.
Comment: This missense variant (PP2) displays an extremely low frequency in gnomAD population databases (PM2). The variant (heterozygous) has been found in a subject recruited in the UKB genomic dataset (PMID: 30305743). Prediction algorithms support the pathogenetic role of the variant (CADD 29.7; PEVEL: 0.933, PP3_strong). The same subject also harbours the (heterozygous) IVS1 variant c.-32-13T>G. No information is available about the clinical features of this subject or regarding the phase of the two variants.

Literature cited by the submitters: PubMed 30305743.

NM_000152.5(GAA):c.2432T>C (p.Leu811Pro)

Gene: GAA (alpha glucosidase; plus strand). Cytogenetic location: 17q25.3.
Variant type: single nucleotide variant.
Coding change: c.2432T>C on transcript NM_000152.5 (MANE Select); coding-DNA position 2432, T replaced by C.
Protein change: p.Leu811Pro; replaces leucine 811 with proline.
Molecular consequence: missense variant.
Genome position (GRCh38, 1-based): chr17:80,117,700, T>C. VCF-style: chr17-80117700-T-C. GRCh37 (hg19) VCF-style: chr17-78091499-T-C.
Other names: c.2432T>C, p.Leu811Pro (NM_001079803.3, NM_001079804.3, NM_001406741.1 and 1 more transcripts); short protein forms L811P.
Identifiers: ClinVar variation 5036718 (VCV005036718.1).